The following is an entry in ClinVar:

NM_012338.4(TSPAN12):c.55C>G (p.Leu19Val)

Gene: TSPAN12 (tetraspanin 12; minus strand). Cytogenetic location: 7q31.31.
Variant type: single nucleotide variant.
Coding change: c.55C>G on transcript NM_012338.4 (MANE Select); coding-DNA position 55, C replaced by G.
Protein change: p.Leu19Val; replaces leucine 19 with valine.
Molecular consequence: missense variant.
Genome position (GRCh38, 1-based): chr7:120,856,709, G>C on the plus strand (C>G on the coding strand, the complement: TSPAN12 is on the minus strand). VCF-style: chr7-120856709-G-C. GRCh37 (hg19) VCF-style: chr7-120496763-G-C.
Other names: c.55C>G (NM_012338.3); short protein forms L19V.
Identifiers: ClinVar variation 1398635 (VCV001398635.8), dbSNP rs201225074, ClinGen allele CA4454030.

ClinVar aggregate classification (germline): Uncertain significance. Review status: criteria provided, multiple submitters, no conflicts (2 of 4 stars). 2 submissions from 2 submitters: Uncertain significance (2). Last evaluated 2025-10-15.

Conditions:
Inborn genetic diseases. Identifiers: MedGen C0950123, MeSH D030342.

Allele frequency attached by ClinVar (database versions not stated): gnomAD exomes 0.00006; TOPMed 0.00006; ExAC 0.00007; gnomAD 0.00012 and 0.00013; ESP Exome Variant Server 0.00023.
gnomAD v4.1: 134 of 1,614,136 alleles (0.0083%); highest among the groups gnomAD compares: Middle Eastern, 0.066%; no homozygotes.

Submissions (2):

Labcorp Genetics (formerly Invitae), Labcorp
Classification: Uncertain significance. Last evaluated: 2025-10-15. Review status: criteria provided, single submitter. Criteria: Invitae Variant Classification Sherloc (09022015). Collection method: clinical testing. Allele origin: germline.
Comment: This sequence change replaces leucine, which is neutral and non-polar, with valine, which is neutral and non-polar, at codon 19 of the TSPAN12 protein (p.Leu19Val). This variant is present in population databases (rs201225074, gnomAD 0.01%). This variant has not been reported in the literature in individuals affected with TSPAN12-related conditions. ClinVar contains an entry for this variant (Variation ID: 1398635). Invitae Evidence Modeling of protein sequence and biophysical properties (such as structural, functional, and spatial information, amino acid conservation, physicochemical variation, residue mobility, and thermodynamic stability) indicates that this missense variant is not expected to disrupt TSPAN12 protein function with a negative predictive value of 80%. In summary, the available evidence is currently insufficient to determine the role of this variant in disease. Therefore, it has been classified as a Variant of Uncertain Significance.

Ambry Genetics
Classification: Uncertain significance for Inborn genetic diseases. Last evaluated: 2025-07-15. Review status: criteria provided, single submitter. Criteria: Ambry Variant Classification Scheme 2023. Collection method: clinical testing. Allele origin: germline.